The following is an entry in ClinVar:

ClinVar aggregate classification (germline): Likely pathogenic (1 of 4 stars; one submission).

Conditions:
Congenital myasthenic syndrome (CMS). Also called: Congenital Myasthenic Syndromes. Identifiers: Orphanet 590, MedGen C0751882, MeSH D020294, MONDO:0018940.

Submission:

Women's Health and Genetics/Laboratory Corporation of America, LabCorp
Classification: Likely pathogenic for Congenital myasthenic syndrome. Last evaluated: 2022-05-26. Review status: criteria provided, single submitter. Criteria: LabCorp Variant Classification Summary - May 2015. Collection method: clinical testing. Allele origin: germline.
Comment: Variant summary: The variant identified by MLPA or other technology involves the deletion of exon 5 in the DOK7 gene. A presumed nomenclature of c.(532+1_533-1)_(652+1_653-1)del has been designated for the purposes of this classification. Although exact breakpoints of this deletion are not known, it is expected to result in an in-frame deletion change in the DOK7 gene (with a predicted protein level name of p.Trp178_Asp218delinsTyr), affecting the IRS-like phosphotyrosine binding (PTB) domain (amino acids 105-210; IPR002404), which is a protein interaction domain (InterPro). The variant was absent in 21694 control chromosomes (gnomAD database, Structural Variants dataset). To our knowledge, no occurrence of c.(532+1_533-1)_(652+1_653-1)del in individuals affected with Congenital Myasthenic Syndrome and no experimental evidence demonstrating its impact on protein function have been reported. However, variants within exon 5 that preserve the integrity of the reading frame (p.G180A/V, p.C198S) have been reported in affected individuals (HGMD), indicating the functional importance of this protein region. One clinical diagnostic laboratory has submitted clinical-significance assessments for this variant to ClinVar after 2014, and classified the variant as pathogenic. Based on the evidence outlined above, the variant was classified as likely pathogenic.

NC_000004.11:g.(3478270_3487265)_(3487386_3491403)del

Gene: DOK7 (docking protein 7; plus strand). Cytogenetic location: 4p16.3.
Variant type: Deletion.
Identifiers: ClinVar variation 1696034 (VCV001696034.1).